The following is an entry in ClinVar:

NM_000179.3(MSH6):c.1427A>G (p.Lys476Arg)

Gene: MSH6 (mutS homolog 6; plus strand). Cytogenetic location: 2p16.3.
Variant type: single nucleotide variant.
Coding change: c.1427A>G on transcript NM_000179.3 (MANE Select); coding-DNA position 1427, A replaced by G.
Protein change: p.Lys476Arg; replaces lysine 476 with arginine.
Molecular consequence: missense variant.
Genome position (GRCh38, 1-based): chr2:47,799,410, A>G. VCF-style: chr2-47799410-A-G. GRCh37 (hg19) VCF-style: chr2-48026549-A-G.
Other names: c.1037A>G, p.Lys346Arg (NM_001281492.2); c.521A>G, p.Lys174Arg (NM_001281493.2, NM_001281494.2); short protein forms K476R, K174R, K346R.
Identifiers: ClinVar variation 483857 (VCV000483857.16), dbSNP rs1553412841, ClinGen allele CA346745443.

ClinVar aggregate classification (germline): Uncertain significance. Review status: criteria provided, multiple submitters, no conflicts (2 of 4 stars). 4 submissions from 4 submitters: Uncertain significance (4). Last evaluated 2024-08-30.

Conditions:
Lynch syndrome. Identifiers: Orphanet 144, MedGen C4552100, MONDO:0005835. Disease mechanism: loss of function.
Hereditary cancer-predisposing syndrome. Also called: Neoplastic Syndromes, Hereditary; Tumor predisposition; Hereditary Cancer Syndrome; Hereditary neoplastic syndrome. Identifiers: Orphanet 140162, MedGen C0027672, MeSH D009386, MONDO:0015356.
Hereditary nonpolyposis colorectal neoplasms. Identifiers: MedGen C0009405, MeSH D003123.

Allele frequency attached by ClinVar (database versions not stated): gnomAD exomes below 0.00001; TOPMed below 0.00001.

Submissions (4):

All of Us Research Program, National Institutes of Health
Classification: Uncertain significance for Lynch syndrome. Last evaluated: 2024-08-30. Review status: criteria provided, single submitter. Criteria: ACMG Guidelines, 2015. Collection method: clinical testing. Allele origin: germline. Inheritance: Autosomal dominant inheritance. Observed: 1 variant allele, 1 heterozygote.
Comment: This study involves interpretation of variants in research participants for the purpose of population health screening. Participant phenotype was not available at the time of variant classification. Additional details can be found in publication PMID: 35346344, PMCID: PMC8962531

Color Diagnostics, LLC DBA Color Health
Classification: Uncertain significance for Hereditary cancer-predisposing syndrome. Last evaluated: 2023-12-04. Review status: criteria provided, single submitter. Criteria: ACMG Guidelines, 2015. Collection method: clinical testing. Allele origin: germline.
Comment: This missense variant replaces lysine with arginine at codon 476 of the MSH6 protein. Computational prediction suggests that this variant may have deleterious impact on protein structure and function (internally defined REVEL score threshold >= 0.7, PMID: 27666373). To our knowledge, functional studies have not been reported for this variant. This variant has not been reported in individuals affected with MSH6-related disorders in the literature. This variant has not been identified in the general population by the Genome Aggregation Database (gnomAD). The available evidence is insufficient to determine the role of this variant in disease conclusively. Therefore, this variant is classified as a Variant of Uncertain Significance.

Labcorp Genetics (formerly Invitae), Labcorp
Classification: Uncertain significance for Hereditary nonpolyposis colorectal neoplasms. Last evaluated: 2022-10-31. Review status: criteria provided, single submitter. Criteria: Invitae Variant Classification Sherloc (09022015). Collection method: clinical testing. Allele origin: germline.
Comment: This sequence change replaces lysine, which is basic and polar, with arginine, which is basic and polar, at codon 476 of the MSH6 protein (p.Lys476Arg). This variant is not present in population databases (gnomAD no frequency). This variant has not been reported in the literature in individuals affected with MSH6-related conditions. ClinVar contains an entry for this variant (Variation ID: 483857). Advanced modeling of protein sequence and biophysical properties (such as structural, functional, and spatial information, amino acid conservation, physicochemical variation, residue mobility, and thermodynamic stability) performed at Invitae indicates that this missense variant is not expected to disrupt MSH6 protein function. In summary, the available evidence is currently insufficient to determine the role of this variant in disease. Therefore, it has been classified as a Variant of Uncertain Significance.

Ambry Genetics
Classification: Uncertain significance for Hereditary cancer-predisposing syndrome. Last evaluated: 2017-05-09. Review status: criteria provided, single submitter. Criteria: Ambry Variant Classification Scheme 2023. Collection method: clinical testing. Allele origin: germline.
Comment: The p.K476R variant (also known as c.1427A>G), located in coding exon 4 of the MSH6 gene, results from an A to G substitution at nucleotide position 1427. The lysine at codon 476 is replaced by arginine, an amino acid with highly similar properties. This amino acid position is highly conserved in available vertebrate species. In addition, this alteration is predicted to be deleterious by in silico analysis. In addition, the CoDP in silico tool predicts this alteration to have minor impact on molecular function, with a score of 0.086 (Terui H et al. J. Biomed. Sci. 2013 Apr;20:25). Since supporting evidence is limited at this time, the clinical significance of this alteration remains unclear. Since supporting evidence is limited at this time, the clinical significance of this alteration remains unclear.